The following is an entry in ClinVar:

NM_001105206.3(LAMA4):c.2537T>C (p.Val846Ala)

Gene: LAMA4 (laminin subunit alpha 4; minus strand). Cytogenetic location: 6q21.
Variant type: single nucleotide variant.
Coding change: c.2537T>C on transcript NM_001105206.3 (MANE Select); coding-DNA position 2537, T replaced by C.
Protein change: p.Val846Ala; replaces valine 846 with alanine.
Molecular consequence: missense variant.
Genome position (GRCh38, 1-based): chr6:112,142,249, A>G on the plus strand (T>C on the coding strand, the complement: LAMA4 is on the minus strand). VCF-style: chr6-112142249-A-G. GRCh37 (hg19) VCF-style: chr6-112463451-A-G.
Other names: c.2516T>C, p.Val839Ala (NM_001105207.3, NM_002290.5); short protein forms V839A, V846A.
Identifiers: ClinVar variation 4859103 (VCV004859103.1).
Genomic context (GRCh38, chr6:112,142,249, plus strand): 5'-TTCATGTACAGGCTCAGAGACGTGAAGGCCTTTAAGTCATCCATACTGGTTCTCGAGTGC[A>G]CTTCCACAGCTGACTGGCCATCAAACATCATGGAGACTTGGATCTGGAGTGACACAACGG-3'
Protein context (NP_001098676.2, residues 836-856): MMFDGQSAVE[Val846Ala]HSRTSMDDLK

ClinVar aggregate classification (germline): Uncertain significance (1 of 4 stars; one submission).

Conditions:
Cardiovascular phenotype. Identifiers: MedGen CN230736.

gnomAD v4.1: 3 of 1,614,096 alleles (0.00019%); no homozygotes.

Submission:

Ambry Genetics
Classification: Uncertain significance for Cardiovascular phenotype. Last evaluated: 2026-06-01. Review status: criteria provided, single submitter. Criteria: Ambry Variant Classification Scheme 2023. Collection method: clinical testing. Allele origin: germline.
Comment: The p.V839A variant (also known as c.2516T>C), located in coding exon 19 of the LAMA4 gene, results from a T to C substitution at nucleotide position 2516. The valine at codon 839 is replaced by alanine, an amino acid with similar properties. This amino acid position is conserved. In addition, the in silico prediction for this alteration is inconclusive. Based on the available evidence, the clinical significance of this variant remains unclear.